The following is an entry in ClinVar:

ClinVar aggregate classification (germline): Pathogenic (1 of 4 stars; one submission).

Conditions:
Immunodeficiency 93 and hypertrophic cardiomyopathy (IMD93). Identifiers: MedGen C5676899, OMIM 619705, MONDO:0030528.

Submission:

3billion
Classification: Pathogenic for Immunodeficiency 93 and hypertrophic cardiomyopathy. Last evaluated: 2025-08-03. Review status: criteria provided, single submitter. Criteria: ACMG Guidelines, 2015. Collection method: clinical testing. Allele origin: germline. Affected: yes.
Comment: The variant is observed at an extremely low frequency in the gnomAD v4.1.0 dataset (total allele frequency: <0.001%). Predicted Consequence/Location: Frameshift: predicted to result in a loss or disruption of normal protein function through nonsense-mediated decay (NMD) or protein truncation. Multiple pathogenic variants are reported downstream of the variant. Therefore, this variant is classified as Pathogenic according to the recommendation of ACMG/AMP guideline.

NM_133372.3(FNIP1):c.2773dup (p.Ile925fs)

Gene: FNIP1 (folliculin interacting protein 1; minus strand). Cytogenetic location: 5q31.1.
Variant type: Duplication.
Coding change: c.2773dup on transcript NM_133372.3 (MANE Select); coding-DNA position 2773, one base duplicated (A; older notation c.2773dupA).
Protein change: p.Ile925fs; shifts the reading frame from isoleucine 925.
Molecular consequence: frameshift variant.
Genome position (GRCh38, 1-based): chr5:131,671,671, T duplicated on the plus strand (A on the coding strand, the reverse complement: FNIP1 is on the minus strand); the first of 7 consecutive T bases (chr5:131,671,671-131,671,677); duplicating any one gives the same sequence. VCF-style (leftmost placement, unchanged base first): chr5-131671670-A-AT. GRCh37 (hg19) VCF-style: chr5-131007363-A-AT.
Other names: c.2689dup, p.Ile897fs (NM_001008738.3); c.2638dup, p.Ile880fs (NM_001346114.2); short protein forms I880fs, I897fs, I925fs.
Identifiers: ClinVar variation 4856305 (VCV004856305.1).